The following is an entry in ClinVar:

ClinVar aggregate classification (germline): Uncertain significance (1 of 4 stars; one submission).

Conditions:
F8-related disorder. Also called: F8-related condition.

Allele frequency attached by ClinVar (database versions not stated): TOPMed 0.00004; gnomAD 0.00005; ExAC 0.00008; gnomAD exomes 0.00008; ESP Exome Variant Server 0.00009.
gnomAD v4.1: 93 of 1,210,270 alleles (0.0077%); highest among the groups gnomAD compares: Non-Finnish European, 0.01%; no homozygotes.

Submission:

PreventionGenetics, part of Exact Sciences
Classification: Uncertain significance for F8-related condition. Last evaluated: 2023-07-11. Review status: criteria provided, single submitter. Criteria: ACMG Guidelines, 2015. Collection method: clinical testing. Allele origin: germline.
Comment: The F8 c.26T>G variant is predicted to result in the amino acid substitution p.Phe9Cys. To our knowledge, this variant has not been reported in the literature. This variant is reported in 0.015% of alleles in individuals of European, including five hemizygous individuals (Non-Finnish) descent in gnomAD. Although we suspect that this variant may be benign, at this time, the clinical significance of this variant is uncertain due to the absence of conclusive functional and genetic evidence.

NM_000132.4(F8):c.26T>G (p.Phe9Cys)

Gene: F8 (coagulation factor VIII; minus strand). Cytogenetic location: Xq28.
Variant type: single nucleotide variant.
Coding change: c.26T>G on transcript NM_000132.4 (MANE Select); coding-DNA position 26, T replaced by G.
Protein change: p.Phe9Cys; replaces phenylalanine 9 with cysteine.
Molecular consequence: missense variant.
Genome position (GRCh38, 1-based): chrX:155,022,527, A>C on the plus strand (T>G on the coding strand, the complement: F8 is on the minus strand). VCF-style: chrX-155022527-A-C. GRCh37 (hg19) VCF-style: chrX-154250802-A-C.
Other names: short protein forms F9C.
Identifiers: ClinVar variation 2629010 (VCV002629010.1), dbSNP rs367557760, ClinGen allele CA10568653.